The following is an entry in ClinVar:

ClinVar aggregate classification (germline): Uncertain significance (1 of 4 stars; one submission).

Conditions:
DICER1-related tumor predisposition. Also called: DICER1 syndrome; DICER1-related pleuropulmonary blastoma cancer predisposition syndrome. Identifiers: Orphanet 284343, MedGen C3839822, MONDO:0100216.

Submission:

Labcorp Genetics (formerly Invitae), Labcorp
Classification: Uncertain significance for DICER1-related tumor predisposition. Last evaluated: 2024-04-15. Review status: criteria provided, single submitter. Criteria: Invitae Variant Classification Sherloc (09022015). Collection method: clinical testing. Allele origin: germline.
Comment: This sequence change replaces tryptophan, which is neutral and slightly polar, with arginine, which is basic and polar, at codon 400 of the DICER1 protein (p.Trp400Arg). This variant is not present in population databases (gnomAD no frequency). This variant has not been reported in the literature in individuals affected with DICER1-related conditions. Advanced modeling of protein sequence and biophysical properties (such as structural, functional, and spatial information, amino acid conservation, physicochemical variation, residue mobility, and thermodynamic stability) performed at Invitae indicates that this missense variant is not expected to disrupt DICER1 protein function with a negative predictive value of 80%. In summary, the available evidence is currently insufficient to determine the role of this variant in disease. Therefore, it has been classified as a Variant of Uncertain Significance.

NM_177438.3(DICER1):c.1198T>A (p.Trp400Arg)

Gene: DICER1 (dicer 1, ribonuclease III; minus strand). Cytogenetic location: 14q32.13.
Variant type: single nucleotide variant.
Coding change: c.1198T>A on transcript NM_177438.3 (MANE Select); coding-DNA position 1198, T replaced by A.
Protein change: p.Trp400Arg; replaces tryptophan 400 with arginine.
Molecular consequence: missense variant. On other transcripts: non-coding transcript variant (6), 5 prime UTR variant (1).
Genome position (GRCh38, 1-based): chr14:95,124,374, A>T on the plus strand (T>A on the coding strand, the complement: DICER1 is on the minus strand). VCF-style: chr14-95124374-A-T. GRCh37 (hg19) VCF-style: chr14-95590711-A-T.
Other names: c.1198T>A, p.Trp400Arg (NM_001395700.1, NM_030621.4, NM_001395678.1 and 14 more transcripts); c.916T>A, p.Trp306Arg (NM_001395686.1); c.793T>A, p.Trp265Arg (NM_001395687.1, NM_001395688.1, NM_001395689.1 and 3 more transcripts); c.631T>A, p.Trp211Arg (NM_001395691.1); c.-371T>A (NM_001395697.1); short protein forms W400R, W265R, W211R, W306R.
Identifiers: ClinVar variation 3649895 (VCV003649895.2).